The following is an entry in ClinVar:

ClinVar aggregate classification (germline): Likely benign. Review status: criteria provided, multiple submitters, no conflicts (2 of 4 stars). 3 submissions from 3 submitters: Likely benign (2). 1 of the submissions does not count toward it. Last evaluated 2021-05-06.

Conditions:
MTO1-related disorder. Also called: MTO1-related condition.

Allele frequency attached by ClinVar (database versions not stated): gnomAD exomes 0.00005 and 0.00006; gnomAD 0.00015 and 0.00016; 1000 Genomes Project 0.00020; TOPMed 0.00028; 1000 Genomes Project 30x 0.00031.
gnomAD v4.1: 53 of 819,378 alleles (0.0065%); highest among the groups gnomAD compares: African/African-American, 0.037%; no homozygotes.

Submissions (3):

GeneDx
Classification: Likely benign. Last evaluated: 2021-05-06. Review status: criteria provided, single submitter. Criteria: GeneDx Variant Classification Process June 2021. Collection method: clinical testing. Allele origin: germline. Affected: yes.

Breakthrough Genomics
Classification: Likely benign. Review status: criteria provided, single submitter. Criteria: ACMG Guidelines, 2015. Collection method: not provided. Allele origin: germline. Inheritance: Autosomal recessive inheritance. Affected: yes.

PreventionGenetics, part of Exact Sciences
Classification: Likely benign for MTO1-related condition. Last evaluated: 2022-07-25. Review status: no assertion criteria provided. Collection method: clinical testing. Allele origin: germline. Not counted in ClinVar's aggregate classification.
Comment: This variant is classified as likely benign based on ACMG/AMP sequence variant interpretation guidelines (Richards et al. 2015 PMID: 25741868, with internal and published modifications).

NM_012123.4(MTO1):c.1129+168C>T

Gene: MTO1 (mitochondrial tRNA translation optimization 1; plus strand). Cytogenetic location: 6q13.
Variant type: single nucleotide variant.
Coding change: c.1129+168C>T on transcript NM_012123.4 (MANE Select); 168 bases into the intron after coding-DNA position 1129, C replaced by T.
Molecular consequence: intron variant. On other transcripts: synonymous variant (1).
Genome position (GRCh38, 1-based): chr6:73,480,294, C>T. VCF-style: chr6-73480294-C-T. GRCh37 (hg19) VCF-style: chr6-74190017-C-T.
Other names: c.1131C>T, p.Asp377= (NM_133645.3); c.1129+168C>T (NM_001123226.2); c.1131C>T (NM_133645.2).
Identifiers: ClinVar variation 1320683 (VCV001320683.5), dbSNP rs558822138, ClinGen allele CA140961515.